The following is an entry in ClinVar:

ClinVar aggregate classification (germline): Uncertain significance. Review status: criteria provided, single submitter (1 of 4 stars). 2 submissions from 2 submitters: Uncertain significance (1). 1 of the submissions does not count toward it. Last evaluated 2020-06-21.

Conditions:
Familial dysautonomia. Also called: FD; HSAN III. Identifiers: Orphanet 1764, MedGen C0013364, MONDO:0009131, OMIM 223900. Disease mechanism: loss of function.

Submissions (2):

Labcorp Genetics (formerly Invitae), Labcorp
Classification: Uncertain significance. Last evaluated: 2020-06-21. Review status: criteria provided, single submitter. Criteria: Invitae Variant Classification Sherloc (09022015). Collection method: clinical testing. Allele origin: germline.
Comment: This sequence change falls in intron 36 of the ELP1 gene. It does not directly change the encoded amino acid sequence of the ELP1 protein, but it affects a nucleotide within the consensus splice site of the intron. This variant is not present in population databases (ExAC no frequency). This variant has not been reported in the literature in individuals with ELP1-related conditions. Nucleotide substitutions within the consensus splice site are a relatively common cause of aberrant splicing (PMID: 17576681, 9536098). Algorithms developed to predict the effect of sequence changes on RNA splicing suggest that this variant may disrupt the consensus splice site, but this prediction has not been confirmed by published transcriptional studies. In summary, the available evidence is currently insufficient to determine the role of this variant in disease. Therefore, it has been classified as a Variant of Uncertain Significance.

Natera, Inc.
Classification: Uncertain significance for Familial dysautonomia. Last evaluated: 2021-08-31. Review status: no assertion criteria provided. Collection method: clinical testing. Allele origin: germline. Not counted in ClinVar's aggregate classification.

Literature cited by the submitters: PubMed 17576681 (cited by Labcorp Genetics (formerly Invitae), Labcorp); PubMed 9536098 (cited by Labcorp Genetics (formerly Invitae), Labcorp).

NM_003640.5(ELP1):c.3931+3_3931+6del

Gene: ELP1 (elongator acetyltransferase complex subunit 1; minus strand). Cytogenetic location: 9q31.3.
Variant type: Deletion.
Coding change: c.3931+3_3931+6del on transcript NM_003640.5 (MANE Select); bases 3 to 6 of the intron after coding-DNA position 3931, 4 bases deleted (TAGT; older notation c.3931+3_3931+6delTAGT).
Molecular consequence: splice donor variant.
Genome position (GRCh38, 1-based): chr9:108,874,889-108,874,892, ACTA deleted on the plus strand (TAGT on the coding strand, the reverse complement: ELP1 is on the minus strand); deleting any 4 consecutive bases within chr9:108,874,889-108,874,894 gives the same sequence; the c. name uses the placement nearest the transcript's 3' end. VCF-style (leftmost placement, unchanged base first): chr9-108874888-TACTA-T. GRCh37 (hg19) VCF-style: chr9-111637168-TACTA-T.
Other names: c.3589+3_3589+6del (NM_001318360.2); c.2884+3_2884+6del (NM_001330749.2).
Identifiers: ClinVar variation 1005295 (VCV001005295.5), dbSNP rs1827641020, ClinGen allele CA1871326955.